The following is an entry in ClinVar:

ClinVar aggregate classification (germline): Uncertain significance (1 of 4 stars; one submission).

Submission:

Labcorp Genetics (formerly Invitae), Labcorp
Classification: Uncertain significance. Last evaluated: 2024-06-12. Review status: criteria provided, single submitter. Criteria: Invitae Variant Classification Sherloc (09022015). Collection method: clinical testing. Allele origin: germline.
Comment: This sequence change replaces aspartic acid, which is acidic and polar, with glycine, which is neutral and non-polar, at codon 222 of the PPA2 protein (p.Asp222Gly). This variant is not present in population databases (gnomAD no frequency). This variant has not been reported in the literature in individuals affected with PPA2-related conditions. Advanced modeling of protein sequence and biophysical properties (such as structural, functional, and spatial information, amino acid conservation, physicochemical variation, residue mobility, and thermodynamic stability) performed at Invitae indicates that this missense variant is expected to disrupt PPA2 protein function with a positive predictive value of 80%. In summary, the available evidence is currently insufficient to determine the role of this variant in disease. Therefore, it has been classified as a Variant of Uncertain Significance.

NM_176869.3(PPA2):c.665A>G (p.Asp222Gly)

Gene: PPA2 (inorganic pyrophosphatase 2; minus strand). Cytogenetic location: 4q24.
Variant type: single nucleotide variant.
Coding change: c.665A>G on transcript NM_176869.3 (MANE Select); coding-DNA position 665, A replaced by G.
Protein change: p.Asp222Gly; replaces aspartic acid 222 with glycine.
Molecular consequence: missense variant.
Genome position (GRCh38, 1-based): chr4:105,399,155, T>C on the plus strand (A>G on the coding strand, the complement: PPA2 is on the minus strand). VCF-style: chr4-105399155-T-C. GRCh37 (hg19) VCF-style: chr4-106320312-T-C.
Other names: c.578A>G, p.Asp193Gly (NM_006903.4); c.359A>G, p.Asp120Gly (NM_176866.2); c.167A>G, p.Asp56Gly (NM_176867.3); short protein forms D120G, D56G, D193G, D222G.
Identifiers: ClinVar variation 3671435 (VCV003671435.2).